The following is an entry in ClinVar:

NM_000051.4(ATM):c.7746A>G (p.Arg2582=)

Genes: ATM (ATM serine/threonine kinase; plus strand), C11orf65 (chromosome 11 open reading frame 65; minus strand). Cytogenetic location: 11q22.3.
Variant type: single nucleotide variant.
Coding change: c.7746A>G on transcript NM_000051.4 (MANE Select); coding-DNA position 7746, A replaced by G.
Protein change: p.Arg2582=; no amino-acid change (arginine 2582 retained).
Molecular consequence: synonymous variant. On other transcripts: intron variant (2).
Genome position (GRCh38, 1-based): chr11:108,331,995, A>G. VCF-style: chr11-108331995-A-G. GRCh37 (hg19) VCF-style: chr11-108202722-A-G.
Other names: c.7746A>G, p.Arg2582= (NM_001351834.2); c.641-22924T>C (NM_001330368.2); c.*38+3225T>C (NM_001351110.2).
Identifiers: ClinVar variation 3253908 (VCV003253908.1), dbSNP rs1321640172.

ClinVar aggregate classification (germline): Benign (1 of 4 stars; one submission).

Conditions:
Familial cancer of breast. Also called: hereditary breast carcinoma; BREAST CANCER, FAMILIAL; Hereditary breast cancer. Identifiers: Orphanet 227535, MedGen C0346153, MONDO:0016419, OMIM 114480. Disease mechanism: loss of function.

Allele frequency attached by ClinVar (database versions not stated): gnomAD exomes below 0.00001.
gnomAD v4.1: 1 of 1,614,092 alleles (0.000062%); highest among the groups gnomAD compares: East Asian, 0.0022%; no homozygotes.

Submission:

Myriad Genetics, Inc.
Classification: Benign for Familial cancer of breast. Last evaluated: 2024-06-17. Review status: criteria provided, single submitter. Criteria: Myriad Autosomal Dominant, Autosomal Recessive and X-Linked Classification Criteria (2023). Collection method: clinical testing. Allele origin: unknown.
Comment: This variant is considered benign. This variant is a silent/synonymous amino acid change and it is not expected to impact splicing.